The following is an entry in ClinVar:

NM_001330723.2(SNX27):c.984T>C (p.Phe328=)

Gene: SNX27 (sorting nexin 27; plus strand). Cytogenetic location: 1q21.3.
Variant type: single nucleotide variant.
Coding change: c.984T>C on transcript NM_001330723.2 (MANE Select); coding-DNA position 984, T replaced by C.
Protein change: p.Phe328=; no amino-acid change (phenylalanine 328 retained).
Molecular consequence: synonymous variant.
Genome position (GRCh38, 1-based): chr1:151,666,010, T>C. VCF-style: chr1-151666010-T-C. GRCh37 (hg19) VCF-style: chr1-151638486-T-C.
Other names: c.984T>C, p.Phe328= (NM_030918.6).
Identifiers: ClinVar variation 462822 (VCV000462822.19), dbSNP rs150091333, ClinGen allele CA1093553.

ClinVar aggregate classification (germline): Benign/Likely benign. Review status: criteria provided, multiple submitters, no conflicts (2 of 4 stars). 4 submissions from 4 submitters: Benign (2); Likely benign (1). 1 of the submissions does not count toward it. Last evaluated 2026-02-03.

Conditions:
Severe myoclonic epilepsy in infancy (DRVT). Also called: DEVELOPMENTAL AND EPILEPTIC ENCEPHALOPATHY 6A; Dravet syndrome; Epileptic encephalopathy, early infantile, 6 (Dravet syndrome); SEVERE MYOCLONIC EPILEPSY OF INFANCY; Severe Myoclonic Epilepsy in Infancy (SMEI). Identifiers: Orphanet 33069, MedGen C0751122, MONDO:0100135, OMIM 607208.
SNX27-related disorder. Also called: SNX27-related condition.

Allele frequency attached by ClinVar (database versions not stated): gnomAD exomes 0.00119; ExAC 0.00142; 1000 Genomes Project 0.00379; gnomAD 0.00415 and 0.00443; TOPMed 0.00420; 1000 Genomes Project 30x 0.00422; ESP Exome Variant Server 0.00523.
gnomAD v4.1: 1,342 of 1,609,738 alleles (0.083%); highest among the groups gnomAD compares: African/African-American, 1.3%; 8 homozygotes.

Submissions (4):

Labcorp Genetics (formerly Invitae), Labcorp
Classification: Benign for Severe myoclonic epilepsy in infancy. Last evaluated: 2026-02-03. Review status: criteria provided, single submitter. Criteria: Invitae Variant Classification Sherloc (09022015). Collection method: clinical testing. Allele origin: germline.

CeGaT Center for Human Genetics Tuebingen
Classification: Likely benign. Last evaluated: 2026-02-01. Review status: criteria provided, single submitter. Criteria: CeGaT Center For Human Genetics Tuebingen Variant Classification Criteria Version 2. Collection method: clinical testing. Allele origin: germline. Affected: yes. Observed: 1 variant allele.
Comment: SNX27: BP4, BP7, BS1

Breakthrough Genomics
Classification: Benign. Review status: criteria provided, single submitter. Criteria: ACMG Guidelines, 2015. Collection method: not provided. Allele origin: germline. Inheritance: Unknown mechanism. Affected: yes.

PreventionGenetics, part of Exact Sciences
Classification: Benign for SNX27-related condition. Last evaluated: 2019-04-17. Review status: no assertion criteria provided. Collection method: clinical testing. Allele origin: germline. Not counted in ClinVar's aggregate classification.
Comment: This variant is classified as benign based on ACMG/AMP sequence variant interpretation guidelines (Richards et al. 2015 PMID: 25741868, with internal and published modifications).